The following is an entry in ClinVar:

NM_018124.4(RFWD3):c.2018G>A (p.Arg673Gln)

Gene: RFWD3 (ring finger and WD repeat domain 3; minus strand). Cytogenetic location: 16q23.1.
Variant type: single nucleotide variant.
Coding change: c.2018G>A on transcript NM_018124.4 (MANE Select); coding-DNA position 2018, G replaced by A.
Protein change: p.Arg673Gln; replaces arginine 673 with glutamine.
Molecular consequence: missense variant.
Genome position (GRCh38, 1-based): chr16:74,626,506, C>T on the plus strand (G>A on the coding strand, the complement: RFWD3 is on the minus strand). VCF-style: chr16-74626506-C-T. GRCh37 (hg19) VCF-style: chr16-74660404-C-T.
Other names: c.2018G>A, p.Arg673Gln (NM_001370534.1, NM_001370535.1); c.1841G>A, p.Arg614Gln (NM_001370536.1); c.1184G>A, p.Arg395Gln (NM_001370537.1, NM_001370539.1, NM_001370540.1 and 3 more transcripts); short protein forms R673Q, R395Q, R614Q.
Identifiers: ClinVar variation 2062600 (VCV002062600.8), dbSNP rs141321984, ClinGen allele CA8169009.

ClinVar aggregate classification (germline): Uncertain significance. Review status: criteria provided, multiple submitters, no conflicts (2 of 4 stars). 3 submissions from 3 submitters: Uncertain significance (2). 1 of the submissions does not count toward it. Last evaluated 2025-12-06.

Conditions:
RFWD3-related disorder. Also called: RFWD3-related condition.

Allele frequency attached by ClinVar (database versions not stated): gnomAD exomes 0.00005; ExAC 0.00011; ESP Exome Variant Server 0.00031; 1000 Genomes Project 30x 0.00047; gnomAD 0.00050; TOPMed 0.00051; 1000 Genomes Project 0.00060.
gnomAD v4.1: 154 of 1,614,074 alleles (0.0095%); highest among the groups gnomAD compares: African/African-American, 0.17%; no homozygotes.

Submissions (3):

Labcorp Genetics (formerly Invitae), Labcorp
Classification: Uncertain significance. Last evaluated: 2025-12-06. Review status: criteria provided, single submitter. Criteria: Invitae Variant Classification Sherloc (09022015). Collection method: clinical testing. Allele origin: germline.
Comment: This sequence change replaces arginine, which is basic and polar, with glutamine, which is neutral and polar, at codon 673 of the RFWD3 protein (p.Arg673Gln). This variant is present in population databases (rs141321984, gnomAD 0.2%), and has an allele count higher than expected for a pathogenic variant. This variant has not been reported in the literature in individuals affected with RFWD3-related conditions. ClinVar contains an entry for this variant (Variation ID: 2062600). An algorithm developed to predict the effect of missense changes on protein structure and function (PolyPhen-2) suggests that this variant is likely to be tolerated. In summary, the available evidence is currently insufficient to determine the role of this variant in disease. Therefore, it has been classified as a Variant of Uncertain Significance.

Ambry Genetics
Classification: Uncertain significance. Last evaluated: 2024-12-04. Review status: criteria provided, single submitter. Criteria: Ambry Variant Classification Scheme 2023. Collection method: clinical testing. Allele origin: germline.

PreventionGenetics, part of Exact Sciences
Classification: Likely benign for RFWD3-related condition. Last evaluated: 2023-01-09. Review status: no assertion criteria provided. Collection method: clinical testing. Allele origin: germline. Not counted in ClinVar's aggregate classification.
Comment: This variant is classified as likely benign based on ACMG/AMP sequence variant interpretation guidelines (Richards et al. 2015 PMID: 25741868, with internal and published modifications).